The following is an entry in ClinVar:

NM_006648.4(WNK2):c.6334A>G (p.Asn2112Asp)

Gene: WNK2 (WNK lysine deficient protein kinase 2; plus strand). Cytogenetic location: 9q22.31.
Variant type: single nucleotide variant.
Coding change: c.6334A>G on transcript NM_006648.4 (MANE Select); coding-DNA position 6334, A replaced by G.
Protein change: p.Asn2112Asp; replaces asparagine 2112 with aspartic acid.
Molecular consequence: missense variant.
Genome position (GRCh38, 1-based): chr9:93,308,402, A>G. VCF-style: chr9-93308402-A-G. GRCh37 (hg19) VCF-style: chr9-96070684-A-G.
Other names: c.6445A>G, p.Asn2149Asp (NM_001282394.3); short protein forms N2112D, N2149D.
Identifiers: ClinVar variation 3816555 (VCV003816555.1).
Genomic context (GRCh38, chr9:93,308,402, plus strand): 5'-AGCCTGGCCCCAGGCCCTGAGCCAGGCCCCCAGCCCGCCCTGCACGTCCAGGCGCAGGTG[A>G]ACAACAGCAACAACAAGAAGGGTACCTTCACGGACGACCTGCACAAGCTGGTGGACGAGT-3'
Protein context (NP_006639.3, residues 2102-2122): QPALHVQAQV[Asn2112Asp]NSNNKKGTFT

ClinVar aggregate classification (germline): Uncertain significance (1 of 4 stars; one submission).

Submission:

Ambry Genetics
Classification: Uncertain significance. Last evaluated: 2024-12-20. Review status: criteria provided, single submitter. Criteria: Ambry Variant Classification Scheme 2023. Collection method: clinical testing. Allele origin: germline.
Comment: The p.N2112D variant (also known as c.6334A>G), located in coding exon 27 of the WNK2 gene, results from an A to G substitution at nucleotide position 6334. The asparagine at codon 2112 is replaced by aspartic acid, an amino acid with highly similar properties. This amino acid position is conserved. In addition, this alteration is predicted to be tolerated by in silico analysis. Based on the available evidence, the clinical significance of this variant remains unclear.